The following is an entry in ClinVar:

NM_007217.4(PDCD10):c.529dup (p.Thr177fs)

Gene: PDCD10 (programmed cell death 10; minus strand). Cytogenetic location: 3q26.1.
Variant type: Duplication.
Coding change: c.529dup on transcript NM_007217.4 (MANE Select); coding-DNA position 529, one base duplicated (A; older notation c.529dupA).
Protein change: p.Thr177fs; shifts the reading frame from threonine 177.
Molecular consequence: frameshift variant.
Genome position (GRCh38, 1-based): chr3:167,687,262, T duplicated on the plus strand (A on the coding strand, the reverse complement: PDCD10 is on the minus strand). VCF-style (leftmost placement, unchanged base first): chr3-167687261-G-GT. GRCh37 (hg19) VCF-style: chr3-167405049-G-GT.
Other names: c.529dup, p.Thr177fs (NM_145859.2, NM_145860.2); short protein forms T177fs.
Identifiers: ClinVar variation 2092113 (VCV002092113.20), dbSNP rs2475659360, ClinGen allele CA2580069041.

ClinVar aggregate classification (germline): Pathogenic/Likely pathogenic. Review status: criteria provided, multiple submitters, no conflicts (2 of 4 stars). 2 submissions from 2 submitters: Pathogenic (1); Likely pathogenic (1). Last evaluated 2024-08-01.

Conditions:
Cerebral cavernous malformation 3. Also called: Familial Cerebral Cavernous Malformation 3. Identifiers: Orphanet 221061, MedGen C1864040, MONDO:0011305, OMIM 603285.

Submissions (2):

CeGaT Center for Human Genetics Tuebingen
Classification: Likely pathogenic. Last evaluated: 2024-08-01. Review status: criteria provided, single submitter. Criteria: CeGaT Center For Human Genetics Tuebingen Variant Classification Criteria Version 2. Collection method: clinical testing. Allele origin: germline. Affected: yes. Observed: 1 variant allele.
Comment: PDCD10: PVS1:Strong, PM2

Labcorp Genetics (formerly Invitae), Labcorp
Classification: Pathogenic for Cerebral cavernous malformation 3. Last evaluated: 2022-02-02. Review status: criteria provided, single submitter. Criteria: Invitae Variant Classification Sherloc (09022015). Collection method: clinical testing. Allele origin: germline.
Comment: For these reasons, this variant has been classified as Pathogenic. This variant disrupts a region of the PDCD10 protein in which other variant(s) (p.Arg196*) have been determined to be pathogenic (PMID: 15543491, 30161288). This suggests that this is a clinically significant region of the protein, and that variants that disrupt it are likely to be disease-causing. This variant has not been reported in the literature in individuals affected with PDCD10-related conditions. This variant is not present in population databases (gnomAD no frequency). This sequence change creates a premature translational stop signal (p.Thr177Asnfs*7) in the PDCD10 gene. While this is not anticipated to result in nonsense mediated decay, it is expected to disrupt the last 36 amino acid(s) of the PDCD10 protein.

Literature cited by the submitters: PubMed 15543491 (cited by Labcorp Genetics (formerly Invitae), Labcorp); PubMed 30161288 (cited by Labcorp Genetics (formerly Invitae), Labcorp).